The following is an entry in ClinVar:

ClinVar aggregate classification (germline): Uncertain significance (1 of 4 stars; one submission).

gnomAD v4.1: 2 of 1,613,954 alleles (0.00012%); highest among the groups gnomAD compares: Middle Eastern, 0.016%; no homozygotes.

Submission:

Ambry Genetics
Classification: Uncertain significance. Last evaluated: 2023-06-24. Review status: criteria provided, single submitter. Criteria: Ambry Variant Classification Scheme 2023. Collection method: clinical testing. Allele origin: germline.
Comment: The p.R320L variant (also known as c.959G>T), located in coding exon 9 of the RAD54L gene, results from a G to T substitution at nucleotide position 959. The arginine at codon 320 is replaced by leucine, an amino acid with dissimilar properties. This amino acid position is conserved. In addition, this alteration is predicted to be deleterious by in silico analysis. Since supporting evidence is limited at this time, the clinical significance of this alteration remains unclear.

NM_003579.4(RAD54L):c.959G>T (p.Arg320Leu)

Gene: RAD54L (RAD54 like; plus strand). Cytogenetic location: 1p34.1.
Variant type: single nucleotide variant.
Coding change: c.959G>T on transcript NM_003579.4 (MANE Select); coding-DNA position 959, G replaced by T.
Protein change: p.Arg320Leu; replaces arginine 320 with leucine.
Molecular consequence: missense variant.
Genome position (GRCh38, 1-based): chr1:46,267,526, G>T. VCF-style: chr1-46267526-G-T. GRCh37 (hg19) VCF-style: chr1-46733198-G-T.
Other names: c.959G>T, p.Arg320Leu (NM_001142548.2); c.419G>T, p.Arg140Leu (NM_001370766.1); short protein forms R140L, R320L.
Identifiers: ClinVar variation 2593277 (VCV002593277.2), dbSNP rs778893165, ClinGen allele CA340192353.